The following is an entry in ClinVar:

ClinVar aggregate classification (germline): Likely benign. Review status: criteria provided, single submitter (1 of 4 stars). 2 submissions from 2 submitters: Likely benign (1). 1 of the submissions does not count toward it. Last evaluated 2022-06-11.

Conditions:
UROS-related disorder. Also called: UROS-related condition.

Allele frequency attached by ClinVar (database versions not stated): ExAC 0.00001; gnomAD exomes 0.00001; TOPMed 0.00002.
gnomAD v4.1: 11 of 1,614,222 alleles (0.00068%); highest among the groups gnomAD compares: Admixed American, 0.0017%; no homozygotes.

Submissions (2):

Labcorp Genetics (formerly Invitae), Labcorp
Classification: Likely benign. Last evaluated: 2022-06-11. Review status: criteria provided, single submitter. Criteria: Invitae Variant Classification Sherloc (09022015). Collection method: clinical testing. Allele origin: germline.

PreventionGenetics, part of Exact Sciences
Classification: Likely benign for UROS-related condition. Last evaluated: 2019-07-10. Review status: no assertion criteria provided. Collection method: clinical testing. Allele origin: germline. Not counted in ClinVar's aggregate classification.
Comment: This variant is classified as likely benign based on ACMG/AMP sequence variant interpretation guidelines (Richards et al. 2015 PMID: 25741868, with internal and published modifications).

NM_000375.3(UROS):c.93T>C (p.Thr31=)

Gene: UROS (uroporphyrinogen III synthase; minus strand). Cytogenetic location: 10q26.2.
Variant type: single nucleotide variant.
Coding change: c.93T>C on transcript NM_000375.3 (MANE Select); coding-DNA position 93, T replaced by C.
Protein change: p.Thr31=; no amino-acid change (threonine 31 retained).
Molecular consequence: synonymous variant. On other transcripts: non-coding transcript variant (2).
Genome position (GRCh38, 1-based): chr10:125,816,231, A>G on the plus strand (T>C on the coding strand, the complement: UROS is on the minus strand). VCF-style: chr10-125816231-A-G. GRCh37 (hg19) VCF-style: chr10-127504800-A-G.
Other names: c.93T>C (NM_000375.2); c.93T>C, p.Thr31= (NM_001324036.2, NM_001324037.2, NM_001324038.2 and 1 more transcripts).
Identifiers: ClinVar variation 1945141 (VCV001945141.7), dbSNP rs753638467, ClinGen allele CA5738574.